The following is an entry in ClinVar:

ClinVar aggregate classification (germline): Uncertain significance (1 of 4 stars; one submission).

Conditions:
Cardiac arrhythmia. Also called: Arrhythmia; Cardiac rhythm disease. Identifiers: MedGen C0003811, MONDO:0007263, HP:0011675.

Submission:

Color Diagnostics, LLC DBA Color Health
Classification: Uncertain significance for Cardiac arrhythmia. Last evaluated: 2025-09-11. Review status: criteria provided, single submitter. Criteria: ACMG Guidelines, 2015. Collection method: clinical testing. Allele origin: germline.
Comment: This missense variant replaces glutamine with leucine at codon 695 of the KCNH2 protein. Computational prediction suggests that this variant may have deleterious impact on protein structure and function. To our knowledge, functional studies have not been reported for this variant. This variant has not been reported in individuals affected with KCNH2-related disorders in the literature. This variant has not been identified in the general population by the Genome Aggregation Database (gnomAD). The available evidence is insufficient to determine the role of this variant in disease conclusively. Therefore, this variant is classified as a Variant of Uncertain Significance.

NM_000238.4(KCNH2):c.2084A>T (p.Gln695Leu)

Gene: KCNH2 (potassium voltage-gated channel subfamily H member 2; minus strand). Cytogenetic location: 7q36.1.
Variant type: single nucleotide variant.
Coding change: c.2084A>T on transcript NM_000238.4 (MANE Select); coding-DNA position 2084, A replaced by T.
Protein change: p.Gln695Leu; replaces glutamine 695 with leucine.
Molecular consequence: missense variant. On other transcripts: non-coding transcript variant (2).
Genome position (GRCh38, 1-based): chr7:150,950,982, T>A on the plus strand (A>T on the coding strand, the complement: KCNH2 is on the minus strand). VCF-style: chr7-150950982-T-A. GRCh37 (hg19) VCF-style: chr7-150648070-T-A.
Other names: c.1064A>T, p.Gln355Leu (NM_001204798.2, NM_172057.3); c.1796A>T, p.Gln599Leu (NM_001406753.1, NM_001406756.1); c.1907A>T, p.Gln636Leu (NM_001406755.1); c.1784A>T, p.Gln595Leu (NM_001406757.1); c.2084A>T, p.Gln695Leu (NM_172056.3); short protein forms Q355L, Q595L, Q599L, Q636L, Q695L.
Identifiers: ClinVar variation 4756354 (VCV004756354.1).